The following is an entry in ClinVar:

NM_014249.4(NR2E3):c.1096G>T (p.Val366Leu)

Gene: NR2E3 (nuclear receptor subfamily 2 group E member 3; plus strand). Cytogenetic location: 15q23.
Variant type: single nucleotide variant.
Coding change: c.1096G>T on transcript NM_014249.4 (MANE Select); coding-DNA position 1096, G replaced by T.
Protein change: p.Val366Leu; replaces valine 366 with leucine.
Molecular consequence: missense variant.
Genome position (GRCh38, 1-based): chr15:71,814,113, G>T. VCF-style: chr15-71814113-G-T. GRCh37 (hg19) VCF-style: chr15-72106454-G-T.
Other names: c.1096G>T, p.Val366Leu (NM_016346.4); short protein forms V366L.
Identifiers: ClinVar variation 1948205 (VCV001948205.6), dbSNP rs150971548, ClinGen allele CA393039549.

ClinVar aggregate classification (germline): Uncertain significance. Review status: criteria provided, multiple submitters, no conflicts (2 of 4 stars). 2 submissions from 2 submitters: Uncertain significance (2). Last evaluated 2022-10-10.

Submissions (2):

Blueprint Genetics
Classification: Uncertain significance. Last evaluated: 2022-10-10. Review status: criteria provided, single submitter. Criteria: ACMG Guidelines, 2015. Collection method: clinical testing. Allele origin: germline.

Labcorp Genetics (formerly Invitae), Labcorp
Classification: Uncertain significance. Last evaluated: 2022-09-13. Review status: criteria provided, single submitter. Criteria: Invitae Variant Classification Sherloc (09022015). Collection method: clinical testing. Allele origin: germline.
Comment: This variant has not been reported in the literature in individuals affected with NR2E3-related conditions. This variant is not present in population databases (gnomAD no frequency). This sequence change replaces valine, which is neutral and non-polar, with leucine, which is neutral and non-polar, at codon 366 of the NR2E3 protein (p.Val366Leu). Experimental studies and prediction algorithms are not available or were not evaluated, and the functional significance of this variant is currently unknown. In summary, the available evidence is currently insufficient to determine the role of this variant in disease. Therefore, it has been classified as a Variant of Uncertain Significance.